The following is an entry in ClinVar:

NM_001035.3(RYR2):c.8083A>G (p.Met2695Val)

Gene: RYR2 (ryanodine receptor 2; plus strand). Cytogenetic location: 1q43.
Variant type: single nucleotide variant.
Coding change: c.8083A>G on transcript NM_001035.3 (MANE Select); coding-DNA position 8083, A replaced by G.
Protein change: p.Met2695Val; replaces methionine 2695 with valine.
Molecular consequence: missense variant.
Genome position (GRCh38, 1-based): chr1:237,655,938, A>G. VCF-style: chr1-237655938-A-G. GRCh37 (hg19) VCF-style: chr1-237819238-A-G.
Other names: c.8083A>G (NM_001035.2); short protein forms M2695V.
Identifiers: ClinVar variation 1406790 (VCV001406790.47), dbSNP rs886959086, ClinGen allele CA39802526.

ClinVar aggregate classification (germline): Uncertain significance. Review status: criteria provided, multiple submitters, no conflicts (2 of 4 stars). 3 submissions from 3 submitters: Uncertain significance (3). Last evaluated 2026-06-25.

Conditions:
Cardiovascular phenotype. Identifiers: MedGen CN230736.
Cardiomyopathy (CMYO). Also called: Cardiomyopathies. Identifiers: Orphanet 167848, MedGen C0878544, MONDO:0004994, HP:0001638. Inheritance: Various modes of inheritance.
Catecholaminergic polymorphic ventricular tachycardia 1. Also called: RYR2-Related Catecholaminergic Polymorphic Ventricular Tachycardia; VENTRICULAR TACHYCARDIA, STRESS-INDUCED POLYMORPHIC 1; VENTRICULAR TACHYCARDIA, CATECHOLAMINERGIC POLYMORPHIC, 1, WITH OR WITHOUT ATRIAL DYSFUNCTION AND/OR DILATED CARDIOMYOPATHY. Identifiers: Orphanet 3286, MedGen C1631597, MONDO:0011484, OMIM 604772.

Allele frequency attached by ClinVar (database versions not stated): gnomAD exomes below 0.00001 and 0.00001; TOPMed 0.00002; gnomAD 0.00001.
gnomAD v4.1: 7 of 1,613,420 alleles (0.00043%); highest among the groups gnomAD compares: African/African-American, 0.004%; no homozygotes.

Submissions (3):

Ambry Genetics
Classification: Uncertain significance for Cardiovascular phenotype. Last evaluated: 2026-06-25. Review status: criteria provided, single submitter. Criteria: Ambry Variant Classification Scheme 2023. Collection method: clinical testing. Allele origin: germline.
Comment: The p.M2695V variant (also known as c.8083A>G), located in coding exon 53 of the RYR2 gene, results from an A to G substitution at nucleotide position 8083. The methionine at codon 2695 is replaced by valine, an amino acid with highly similar properties. This variant was reported in individual(s) with features consistent with epilepsy and intellectual disability (de Kovel CG et al. Mol Genet Genomic Med, 2016 Sep;4:568-80). This amino acid position is well conserved in available vertebrate species. In addition, this alteration is predicted to be tolerated by in silico analysis. Based on the available evidence, the clinical significance of this variant remains unclear.

Labcorp Genetics (formerly Invitae), Labcorp
Classification: Uncertain significance for Catecholaminergic polymorphic ventricular tachycardia 1. Last evaluated: 2025-11-09. Review status: criteria provided, single submitter. Criteria: Invitae Variant Classification Sherloc (09022015). Collection method: clinical testing. Allele origin: germline.
Comment: This sequence change replaces methionine, which is neutral and non-polar, with valine, which is neutral and non-polar, at codon 2695 of the RYR2 protein (p.Met2695Val). This variant is present in population databases (no rsID available, gnomAD 0.0009%). This variant has not been reported in the literature in individuals affected with RYR2-related conditions. ClinVar contains an entry for this variant (Variation ID: 1406790). Invitae Evidence Modeling of protein sequence and biophysical properties (such as structural, functional, and spatial information, amino acid conservation, physicochemical variation, residue mobility, and thermodynamic stability) indicates that this missense variant is not expected to disrupt RYR2 protein function with a negative predictive value of 95%. In summary, the available evidence is currently insufficient to determine the role of this variant in disease. Therefore, it has been classified as a Variant of Uncertain Significance.

Color Diagnostics, LLC DBA Color Health
Classification: Uncertain significance for Cardiomyopathy. Last evaluated: 2025-03-03. Review status: criteria provided, single submitter. Criteria: ACMG Guidelines, 2015. Collection method: clinical testing. Allele origin: germline.
Comment: This missense variant replaces methionine with valine at codon 2695 of the RYR2 protein. Computational prediction suggests that this variant may not impact protein structure and function. To our knowledge, functional studies have not been reported for this variant. This variant has not been reported in individuals affected with RYR2-related disorders in the literature. This variant has been identified in 1/248262 chromosomes in the general population by the Genome Aggregation Database (gnomAD). The available evidence is insufficient to determine the role of this variant in disease conclusively. Therefore, this variant is classified as a Variant of Uncertain Significance.

Literature cited by the submitters: PubMed 27652284 (cited by Ambry Genetics).